The following is an entry in ClinVar:

NM_201253.3(CRB1):c.1637T>C (p.Ile546Thr)

Gene: CRB1 (crumbs cell polarity complex component 1; plus strand). Cytogenetic location: 1q31.3.
Variant type: single nucleotide variant.
Coding change: c.1637T>C on transcript NM_201253.3 (MANE Select); coding-DNA position 1637, T replaced by C.
Protein change: p.Ile546Thr; replaces isoleucine 546 with threonine.
Molecular consequence: missense variant. On other transcripts: non-coding transcript variant (2).
Genome position (GRCh38, 1-based): chr1:197,421,465, T>C. VCF-style: chr1-197421465-T-C. GRCh37 (hg19) VCF-style: chr1-197390595-T-C.
Other names: c.1301T>C, p.Ile434Thr (NM_001193640.2); c.1430T>C, p.Ile477Thr (NM_001257965.2); c.1637T>C, p.Ile546Thr (NM_001257966.2); short protein forms I434T, I477T, I546T.
Identifiers: ClinVar variation 1043603 (VCV001043603.8), dbSNP rs1427090221, ClinGen allele CA344031808.

ClinVar aggregate classification (germline): Uncertain significance (1 of 4 stars; one submission).

Conditions:
Leber congenital amaurosis 8 (LCA8). Identifiers: Orphanet 65, MedGen C3151202, MONDO:0013453, OMIM 613835.
Retinitis pigmentosa 12 (RP12). Also called: RP WITH OR WITHOUT PRESERVED PARAARTERIOLE RETINAL PIGMENT EPITHELIUM; RETINITIS PIGMENTOSA WITH OR WITHOUT PARAARTERIOLAR PRESERVATION OF RETINAL PIGMENT EPITHELIUM; RP WITH OR WITHOUT PPRPE. Identifiers: Orphanet 791, MedGen C1838647, MONDO:0010818, OMIM 600105.

Allele frequency attached by ClinVar (database versions not stated): gnomAD exomes below 0.00001; TOPMed 0.00001.
gnomAD v4.1: 1 of 1,614,224 alleles (0.000062%); highest among the groups gnomAD compares: Admixed American, 0.0017%; no homozygotes.

Submission:

Labcorp Genetics (formerly Invitae), Labcorp
Classification: Uncertain significance for Leber congenital amaurosis 8; Retinitis pigmentosa 12. Last evaluated: 2020-10-21. Review status: criteria provided, single submitter. Criteria: Invitae Variant Classification Sherloc (09022015). Collection method: clinical testing. Allele origin: germline.
Comment: This variant is not present in population databases (ExAC no frequency). In summary, the available evidence is currently insufficient to determine the role of this variant in disease. Therefore, it has been classified as a Variant of Uncertain Significance. Advanced modeling of protein sequence and biophysical properties (such as structural, functional, and spatial information, amino acid conservation, physicochemical variation, residue mobility, and thermodynamic stability) performed at Invitae indicates that this missense variant is not expected to disrupt CRB1 protein function. This variant has not been reported in the literature in individuals with CRB1-related conditions. This sequence change replaces isoleucine with threonine at codon 546 of the CRB1 protein (p.Ile546Thr). The isoleucine residue is moderately conserved and there is a moderate physicochemical difference between isoleucine and threonine.